The following is an entry in ClinVar:

ClinVar aggregate classification (germline): Likely benign (0 of 4 stars; one submission).

Conditions:
GNB1L-related disorder. Also called: GNB1L-related condition.

Allele frequency attached by ClinVar (database versions not stated): gnomAD exomes 0.00001; gnomAD 0.00003; TOPMed 0.00003; ExAC 0.00005.
gnomAD v4.1: 24 of 1,612,212 alleles (0.0015%); highest among the groups gnomAD compares: Middle Eastern, 0.016%; no homozygotes.

Submission:

PreventionGenetics, part of Exact Sciences
Classification: Likely benign for GNB1L-related condition. Last evaluated: 2019-07-10. Review status: no assertion criteria provided. Collection method: clinical testing. Allele origin: germline.
Comment: This variant is classified as likely benign based on ACMG/AMP sequence variant interpretation guidelines (Richards et al. 2015 PMID: 25741868, with internal and published modifications).

NM_053004.3(GNB1L):c.912C>T (p.Thr304=)

Gene: GNB1L (G protein subunit beta 1 like; minus strand). Cytogenetic location: 22q11.21.
Variant type: single nucleotide variant.
Coding change: c.912C>T on transcript NM_053004.3 (MANE Select); coding-DNA position 912, C replaced by T.
Protein change: p.Thr304=; no amino-acid change (threonine 304 retained).
Molecular consequence: synonymous variant.
Genome position (GRCh38, 1-based): chr22:19,788,781, G>A on the plus strand (C>T on the coding strand, the complement: GNB1L is on the minus strand). VCF-style: chr22-19788781-G-A. GRCh37 (hg19) VCF-style: chr22-19776304-G-A.
Identifiers: ClinVar variation 3049741 (VCV003049741.2), dbSNP rs766117963, ClinGen allele CA10102962.
Genomic context (GRCh38, chr22:19,788,781, plus strand): 5'-GTAGAGTGACCAGAGGCTGATCCGCTGATCCTTGGAGCCCGCGGCCAGCAAGCCATCGGC[G>A]GTGAAGGCCACGCACTGGACAGCGGCGCTGTGGAAGGCCAGCACGGCCAGTGGCTGCATC-3'
Protein context (NP_443730.1, residues 294-314): HSAAVQCVAF[Thr304=]ADGLLAAGSK